The following is an entry in ClinVar:

NM_000077.5(CDKN2A):c.458-11G>T

Gene: CDKN2A (cyclin dependent kinase inhibitor 2A; minus strand). Cytogenetic location: 9p21.3.
Variant type: single nucleotide variant.
Coding change: c.458-11G>T on transcript NM_000077.5 (MANE Select); 11 bases into the intron before coding-DNA position 458, G replaced by T.
Molecular consequence: intron variant.
Genome position (GRCh38, 1-based): chr9:21,968,253, C>A on the plus strand (G>T on the coding strand, the complement: CDKN2A is on the minus strand). VCF-style: chr9-21968253-C-A. GRCh37 (hg19) VCF-style: chr9-21968252-C-A.
Other names: c.305-11G>T (NM_001363763.2); c.*102-11G>T (NM_058195.4); c.*151-11G>T (NM_001195132.2); c.*381-11G>T (NM_058197.5).
Identifiers: ClinVar variation 4294220 (VCV004294220.1).

ClinVar aggregate classification (germline): Likely benign (1 of 4 stars; one submission).

Conditions:
Melanoma-pancreatic cancer syndrome. Identifiers: Orphanet 404560, MedGen C1838547, MONDO:0011713, OMIM 606719. Disease mechanism: loss of function.

Submission:

Myriad Genetics, Inc.
Classification: Likely benign for Melanoma-pancreatic cancer syndrome. Last evaluated: 2025-08-19. Review status: criteria provided, single submitter. Criteria: Myriad Autosomal Dominant, Autosomal Recessive and X-Linked Classification Criteria (2023). Collection method: clinical testing. Allele origin: unknown.
Comment: This variant is considered likely benign. This variant is intronic and is not expected to impact mRNA splicing.